The following is an entry in ClinVar:

NM_003579.4(RAD54L):c.617A>T (p.Glu206Val)

Gene: RAD54L (RAD54 like; plus strand). Cytogenetic location: 1p34.1.
Variant type: single nucleotide variant.
Coding change: c.617A>T on transcript NM_003579.4 (MANE Select); coding-DNA position 617, A replaced by T.
Protein change: p.Glu206Val; replaces glutamic acid 206 with valine.
Molecular consequence: missense variant.
Genome position (GRCh38, 1-based): chr1:46,260,866, A>T. VCF-style: chr1-46260866-A-T. GRCh37 (hg19) VCF-style: chr1-46726538-A-T.
Other names: c.617A>T, p.Glu206Val (NM_001142548.2); c.77A>T, p.Glu26Val (NM_001370766.1); short protein forms E206V, E26V.
Identifiers: ClinVar variation 1752042 (VCV001752042.3), dbSNP rs773089761, ClinGen allele CA340186660.

ClinVar aggregate classification (germline): Uncertain significance (1 of 4 stars; one submission).

gnomAD v4.1: 5 of 1,614,244 alleles (0.00031%); highest among the groups gnomAD compares: Middle Eastern, 0.016%; no homozygotes.

Submission:

Ambry Genetics
Classification: Uncertain significance. Last evaluated: 2024-11-14. Review status: criteria provided, single submitter. Criteria: Ambry Variant Classification Scheme 2023. Collection method: clinical testing. Allele origin: germline.
Comment: The p.E206V variant (also known as c.617A>T), located in coding exon 7 of the RAD54L gene, results from an A to T substitution at nucleotide position 617. The glutamic acid at codon 206 is replaced by valine, an amino acid with dissimilar properties. This amino acid position is conserved. In addition, the in silico prediction for this alteration is inconclusive. Since supporting evidence is limited at this time, the clinical significance of this alteration remains unclear.